The following is an entry in ClinVar:

ClinVar aggregate classification (germline): Uncertain significance (1 of 4 stars; one submission).

gnomAD v4.1: 5 of 1,611,458 alleles (0.00031%); highest among the groups gnomAD compares: Admixed American, 0.0034%; no homozygotes.

Submission:

Labcorp Genetics (formerly Invitae), Labcorp
Classification: Uncertain significance. Last evaluated: 2024-05-06. Review status: criteria provided, single submitter. Criteria: Invitae Variant Classification Sherloc (09022015). Collection method: clinical testing. Allele origin: germline.
Comment: This sequence change replaces threonine, which is neutral and polar, with isoleucine, which is neutral and non-polar, at codon 215 of the DFNA5 protein (p.Thr215Ile). This variant is present in population databases (no rsID available, gnomAD 0.003%). This variant has not been reported in the literature in individuals affected with DFNA5-related conditions. Advanced modeling of protein sequence and biophysical properties (such as structural, functional, and spatial information, amino acid conservation, physicochemical variation, residue mobility, and thermodynamic stability) performed at Invitae indicates that this missense variant is expected to disrupt DFNA5 protein function with a positive predictive value of 80%. In summary, the available evidence is currently insufficient to determine the role of this variant in disease. Therefore, it has been classified as a Variant of Uncertain Significance.

NM_001127453.2(GSDME):c.644C>T (p.Thr215Ile)

Gene: GSDME (gasdermin E; minus strand). Cytogenetic location: 7p15.3.
Variant type: single nucleotide variant.
Coding change: c.644C>T on transcript NM_001127453.2 (MANE Select); coding-DNA position 644, C replaced by T.
Protein change: p.Thr215Ile; replaces threonine 215 with isoleucine.
Molecular consequence: missense variant.
Genome position (GRCh38, 1-based): chr7:24,717,307, G>A on the plus strand (C>T on the coding strand, the complement: GSDME is on the minus strand). VCF-style: chr7-24717307-G-A. GRCh37 (hg19) VCF-style: chr7-24756926-G-A.
Other names: c.152C>T, p.Thr51Ile (NM_001127454.2); c.644C>T, p.Thr215Ile (NM_004403.3); short protein forms T215I, T51I.
Identifiers: ClinVar variation 3608802 (VCV003608802.2).
Genomic context (GRCh38, chr7:24,717,307, plus strand): 5'-CACTCACCGAACTGGCCGTCCAGTTTCACGTATAACTCAATGACACCGTAGGCAATGGTG[G>A]TGGCAGCTGGGATCTCCAGCACCACGTTGGAGTCCTTGGTGACATTCCCATCCTCCGTCG-3'
Protein context (NP_001120925.1, residues 205-225): SNVVLEIPAA[Thr215Ile]TIAYGVIELY